The following is an entry in ClinVar:

NC_000003.11:g.(?_8775485)_(8788452_?)del

Gene: CAV3 (caveolin 3; plus strand). Cytogenetic location: 3p25.3.
Variant type: Deletion.
Identifiers: ClinVar variation 2501275 (VCV002501275.1).

ClinVar aggregate classification (germline): Pathogenic (1 of 4 stars; one submission).

Conditions:
Rippling muscle disease 2 (RMD2). Also called: Limb-girdle muscular dystrophy, type 1C; CAV3-Related Rippling Muscle Disease. Identifiers: Orphanet 265, MedGen C1832560, MONDO:0019947, OMIM 606072.

Submission:

Women's Health and Genetics/Laboratory Corporation of America, LabCorp
Classification: Pathogenic for Rippling muscle disease 2. Last evaluated: 2023-03-27. Review status: criteria provided, single submitter. Criteria: LabCorp Variant Classification Summary - May 2015. Collection method: clinical testing. Allele origin: germline.
Comment: Variant summary: The variant identified by MLPA or other technology involves the deletion of the entire coding sequence of the CAV3 gene. A presumed nomenclature of c.(?_-78)_(*899_?)del has been designated for the purposes of this classification. The variant was absent in 21694 control chromosomes (gnomAD, Structural Variants dataset). Deletion of the CAV3 gene had been inherited from the asymptomatic mother (Khan_2023). In addition, a deletion involving the CAV3 gene as well as neighboring genes, has been reported in an individual with a clinical phenotype in accordance with the 3p- syndrome and which included congenital heart defect, autistic behavior and intellectual disability (PMID: 21082655). A ClinVar submitter (evaluation after 2014) cites the variant as pathogenic. Based on the evidence outlined above, the variant was classified as pathogenic.

Literature cited by the submitters: PubMed 36909082.